The following is an entry in ClinVar:

ClinVar aggregate classification (germline): Likely pathogenic (1 of 4 stars; one submission).

Conditions:
Candidiasis, familial, 9 (CANDF9). Identifiers: Orphanet 1334, MedGen C4225324, MONDO:0014642, OMIM 616445.

Submission:

Lifecell International Pvt. Ltd
Classification: Likely pathogenic for Candidiasis, familial, 9. Review status: criteria provided, single submitter. Criteria: ACMG Guidelines, 2015. Collection method: clinical testing. Allele origin: germline. Inheritance: Autosomal recessive inheritance. Affected: yes. Observed: 1 homozygote.
Comment: A Homozygote Intron, Splice site acceptor, Splice site region variant c.718-4_718-1delACAG in Exon 7 of the IL17RC gene that results in the amino acid substitution was identified. The observed variant has a minor allele frequency of 0.00000/% in gnomAD exomes and genomes, respectively. The severity of the impact of this variant on the protein is high, based on the effect of the protein and REVEL score. Rare Exome Variant Ensemble Learner (REVEL) is an ensembl method for predicting the pathogenicity of missense variants based on a combination of scores from 13 individual tools: MutPred, FATHMM v2.3, VEST 3.0, PolyPhen-2, SIFT, PROVEAN, MutationAssessor, MutationTaster, LRT, GERP++, SiPhy, phyloP, and phastCons. The REVEL score for an individual missense variant can range from 0 to 1, with higher scores reflecting greater likelihood that the variant is disease-causing. Based on the above evidence this variant has been classified as Likely Pathogenic according to the ACMG guidelines.

NM_153460.4(IL17RC):c.763-2_764del

Gene: IL17RC (interleukin 17 receptor C; plus strand). Cytogenetic location: 3p25.3.
Variant type: Deletion.
Coding change: c.763-2_764del on transcript NM_153460.4 (MANE Select); the canonical splice acceptor site of the intron before coding-DNA position 763 through coding-DNA position 764, 4 bases deleted (AGAC; older notation c.763-2_764delAGAC).
Molecular consequence: splice acceptor variant. On other transcripts: non-coding transcript variant (1).
Genome position (GRCh38, 1-based): chr3:9,924,230-9,924,233, AGAC deleted; deleting any 4 consecutive bases within chr3:9,924,228-9,924,233 gives the same sequence; the c. name uses the placement nearest the transcript's 3' end. VCF-style (leftmost placement, unchanged base first): chr3-9924227-CACAG-C. GRCh37 (hg19) VCF-style: chr3-9965911-CACAG-C.
Other names: c.976-2_977del (NM_153461.4); c.763-2_764del (NM_001203263.2, NM_001203264.2); c.724-2_725del (NM_001367278.1); c.718-2_719del (NM_032732.6, NM_001367280.1, NM_001203265.2 and 1 more transcripts); c.643-2_644del (NM_001367279.1); c.718-4_718-1delACAG (NM_032732.6).
Identifiers: ClinVar variation 2501672 (VCV002501672.1), dbSNP rs755012426, ClinGen allele CA2246978.
Genomic context (GRCh38, chr3:9,924,227, plus strand): 5'-TTGACTTTGGCCTCCTCCTCTTCCTCCTTATCTTCTCCAACCTCCTTCCTTTATTTGTTC[CACAG>C]ACTGGACCGCAGATCATTACCTTGAACCACACAGACCTGGTTCCCTGCCTCTGTATTCAG-3'